The following is an entry in ClinVar:

ClinVar aggregate classification (germline): Uncertain significance. Review status: criteria provided, multiple submitters, no conflicts (2 of 4 stars). 2 submissions from 2 submitters: Uncertain significance (2). Last evaluated 2024-08-14.

Submissions (2):

Blueprint Genetics
Classification: Uncertain significance. Last evaluated: 2024-08-14. Review status: criteria provided, single submitter. Criteria: ACMG Guidelines, 2015. Collection method: clinical testing. Allele origin: germline.

GeneDx
Classification: Uncertain significance. Last evaluated: 2017-05-23. Review status: criteria provided, single submitter. Criteria: GeneDx Variant Classification (06012015). Collection method: clinical testing. Allele origin: germline. Affected: yes.
Comment: A variant of uncertain significance has been identified in the FLNA gene. The T2591I variant has not been published as pathogenic or been reported as benign to our knowledge. This variant is not observed in large population cohorts (Lek et al., 2016; 1000 Genomes Consortium et al., 2015; Exome Variant Server). The T2591I variant is a non-conservative amino acid substitution, which is likely to impact secondary protein structure as these residues differ in polarity, charge, size and/or other properties. Furthermore, in silico analysis predicts this variant is probably damaging to the protein structure/function. Nevertheless, although this substitution occurs at a position that is conserved in mammals, isoleucine (I) is tolerated at this position in at least two species.

NM_001110556.2(FLNA):c.7796C>T (p.Thr2599Ile)

Genes: FLNA (filamin A; minus strand), LOC107988032 (Xq28 proximal FLNA-EMD recombination region; plus strand). Cytogenetic location: Xq28.
Variant type: single nucleotide variant.
Coding change: c.7796C>T on transcript NM_001110556.2 (MANE Select); coding-DNA position 7796, C replaced by T.
Protein change: p.Thr2599Ile; replaces threonine 2599 with isoleucine.
Molecular consequence: missense variant.
Genome position (GRCh38, 1-based): chrX:154,348,997, G>A on the plus strand (C>T on the coding strand, the complement: FLNA is on the minus strand). VCF-style: chrX-154348997-G-A. GRCh37 (hg19) VCF-style: chrX-153577365-G-A.
Other names: c.7772C>T, p.Thr2591Ile (NM_001456.4); short protein forms T2591I, T2599I.
Identifiers: ClinVar variation 432334 (VCV000432334.3), dbSNP rs782593788, ClinGen allele CA415178341.